The following is an entry in ClinVar:

ClinVar aggregate classification (germline): Uncertain significance. Review status: criteria provided, multiple submitters, no conflicts (2 of 4 stars). 4 submissions from 4 submitters: Uncertain significance (3). 1 of the submissions does not count toward it. Last evaluated 2024-03-26.

Conditions:
Late-infantile neuronal ceroid lipofuscinosis. Also called: Jansky-Bielschowsky disease. Identifiers: MedGen C0022340, MONDO:0015674.
Neuronal ceroid lipofuscinosis 7 (CLN7). Also called: MFSD8-Related Neuronal Ceroid-Lipofuscinosis. Identifiers: Orphanet 168491, Orphanet 228366, MedGen C1838571, MONDO:0012588, OMIM 610951.

Allele frequency attached by ClinVar (database versions not stated): gnomAD 0.00003; TOPMed 0.00003.
gnomAD v4.1: 29 of 1,606,796 alleles (0.0018%); highest among the groups gnomAD compares: Middle Eastern, 0.05%; no homozygotes.

Submissions (4):

GeneDx
Classification: Uncertain significance. Last evaluated: 2024-03-26. Review status: criteria provided, single submitter. Criteria: GeneDx Variant Classification Process June 2021. Collection method: clinical testing. Allele origin: germline. Affected: yes.
Comment: Not observed at significant frequency in large population cohorts (gnomAD); In silico analysis supports that this missense variant does not alter protein structure/function; This variant is associated with the following publications: (PMID: 32399599)

Labcorp Genetics (formerly Invitae), Labcorp
Classification: Uncertain significance for Neuronal ceroid lipofuscinosis 7. Last evaluated: 2022-07-11. Review status: criteria provided, single submitter. Criteria: Invitae Variant Classification Sherloc (09022015). Collection method: clinical testing. Allele origin: germline.
Comment: This sequence change replaces arginine, which is basic and polar, with histidine, which is basic and polar, at codon 236 of the MFSD8 protein (p.Arg236His). This variant is present in population databases (rs371250204, gnomAD 0.004%). This missense change has been observed in individual(s) with developmental disorders (PMID: 32399599). ClinVar contains an entry for this variant (Variation ID: 582291). Algorithms developed to predict the effect of missense changes on protein structure and function output the following: SIFT: "Tolerated"; PolyPhen-2: "Benign"; Align-GVGD: "Class C0". The histidine amino acid residue is found in multiple mammalian species, which suggests that this missense change does not adversely affect protein function. Algorithms developed to predict the effect of sequence changes on RNA splicing suggest that this variant may disrupt the consensus splice site. In summary, the available evidence is currently insufficient to determine the role of this variant in disease. Therefore, it has been classified as a Variant of Uncertain Significance.

Breakthrough Genomics
Classification: Uncertain significance. Review status: criteria provided, single submitter. Criteria: ACMG Guidelines, 2015. Collection method: not provided. Allele origin: germline. Inheritance: Autosomal recessive inheritance. Affected: yes.

Natera, Inc.
Classification: Uncertain significance for Late-infantile neuronal ceroid lipofuscinosis. Last evaluated: 2019-11-11. Review status: no assertion criteria provided. Collection method: clinical testing. Allele origin: germline. Not counted in ClinVar's aggregate classification.

Literature cited by the submitters: PubMed 32399599 (cited by Labcorp Genetics (formerly Invitae), Labcorp).

NM_001371596.2(MFSD8):c.707G>A (p.Arg236His)

Gene: MFSD8 (major facilitator superfamily domain containing 8; minus strand). Cytogenetic location: 4q28.2.
Variant type: single nucleotide variant.
Coding change: c.707G>A on transcript NM_001371596.2 (MANE Select); coding-DNA position 707, G replaced by A.
Protein change: p.Arg236His; replaces arginine 236 with histidine.
Molecular consequence: missense variant. On other transcripts: intron variant (3).
Genome position (GRCh38, 1-based): chr4:127,938,830, C>T on the plus strand (G>A on the coding strand, the complement: MFSD8 is on the minus strand). VCF-style: chr4-127938830-C-T. GRCh37 (hg19) VCF-style: chr4-128859985-C-T.
Other names: c.572G>A, p.Arg191His (NM_001371590.2); c.707G>A, p.Arg236His (NM_001371591.2, NM_152778.4); c.713G>A, p.Arg238His (NM_001371592.2); c.593G>A, p.Arg198His (NM_001371593.2, NM_001410766.1); c.560G>A, p.Arg187His (NM_001371594.2); c.425G>A, p.Arg142His (NM_001371595.1); c.304+4922G>A (NM_001410765.1); c.439+4922G>A (NM_001363521.3); and 1 more; short protein forms R236H, R142H, R187H, R191H, R198H, R238H.
Identifiers: ClinVar variation 582291 (VCV000582291.8), dbSNP rs371250204, ClinGen allele CA3077402.